The following is an entry in ClinVar:

ClinVar aggregate classification (germline): Likely benign (1 of 4 stars; one submission).

Allele frequency attached by ClinVar (database versions not stated): ExAC 0.00010; 1000 Genomes Project 30x 0.00344.

Submission:

CeGaT Center for Human Genetics Tuebingen
Classification: Likely benign. Last evaluated: 2023-07-01. Review status: criteria provided, single submitter. Criteria: CeGaT Center For Human Genetics Tuebingen Variant Classification Criteria Version 2. Collection method: clinical testing. Allele origin: germline. Affected: yes. Observed: 1 variant allele.
Comment: MUC5B: BP4, BS2

NM_002458.3(MUC5B):c.11135C>T (p.Pro3712Leu)

Genes: MUC5B (mucin 5B, oligomeric mucus/gel-forming; plus strand), MUC5B-AS1 (MUC5B antisense RNA 1; minus strand). Cytogenetic location: 11p15.5.
Variant type: single nucleotide variant.
Coding change: c.11135C>T on transcript NM_002458.3 (MANE Select); coding-DNA position 11135, C replaced by T.
Protein change: p.Pro3712Leu; replaces proline 3712 with leucine.
Molecular consequence: missense variant.
Genome position (GRCh38, 1-based): chr11:1,248,015, C>T. VCF-style: chr11-1248015-C-T. GRCh37 (hg19) VCF-style: chr11-1269245-C-T.
Other names: short protein forms P3712L.
Identifiers: ClinVar variation 2641272 (VCV002641272.24), dbSNP rs768796024, ClinGen allele CA5807550.